The following is an entry in ClinVar:

NM_006950.3(SYN1):c.668G>C (p.Cys223Ser)

Gene: SYN1 (synapsin I; minus strand). Cytogenetic location: Xp11.23.
Variant type: single nucleotide variant.
Coding change: c.668G>C on transcript NM_006950.3 (MANE Select); coding-DNA position 668, G replaced by C.
Protein change: p.Cys223Ser; replaces cysteine 223 with serine.
Molecular consequence: missense variant.
Genome position (GRCh38, 1-based): chrX:47,605,239, C>G on the plus strand (G>C on the coding strand, the complement: SYN1 is on the minus strand). VCF-style: chrX-47605239-C-G. GRCh37 (hg19) VCF-style: chrX-47464638-C-G.
Other names: c.668G>C, p.Cys223Ser (NM_133499.2); short protein forms C223S.
Identifiers: ClinVar variation 2546662 (VCV002546662.4), dbSNP rs796053398, ClinGen allele CA318982.
Genomic context (GRCh38, chrX:47,605,239, plus strand): 5'-CATGAGCTGTTCCCTCTGCCAGTGGCACCCTTCCTGTTACTTACCACCCAGGGCTTGTCA[C>G]AGAAGTTGTAGACAGAATGCAAGGAGTTAACACTGGGGATTCCAGCATACTGCAGCCCAA-3'
Protein context (NP_008881.2, residues 213-233): VNSLHSVYNF[Cys223Ser]DKPWVFAQMV

ClinVar aggregate classification (germline): Uncertain significance. Review status: criteria provided, multiple submitters, no conflicts (2 of 4 stars). 3 submissions from 3 submitters: Uncertain significance (3). Last evaluated 2025-05-22.

Conditions:
Epilepsy, X-linked 1, with variable learning disabilities and behavior disorders. Also called: X-linked epilepsy-learning disabilities-behavior disorders syndrome. Identifiers: Orphanet 85294, MedGen C5774177, MONDO:0010339, OMIM 300491.
Inborn genetic diseases. Identifiers: MedGen C0950123, MeSH D030342.

Allele frequency attached by ClinVar (database versions not stated): gnomAD exomes below 0.00001; gnomAD 0.00001.
gnomAD v4.1: 4 of 1,206,388 alleles (0.00033%); highest among the groups gnomAD compares: Non-Finnish European, 0.00045%; no homozygotes.

Submissions (3):

Labcorp Genetics (formerly Invitae), Labcorp
Classification: Uncertain significance for Epilepsy, X-linked 1, with variable learning disabilities and behavior disorders. Last evaluated: 2025-05-22. Review status: criteria provided, single submitter. Criteria: Invitae Variant Classification Sherloc (09022015). Collection method: clinical testing. Allele origin: germline.
Comment: This sequence change replaces cysteine, which is neutral and slightly polar, with serine, which is neutral and polar, at codon 223 of the SYN1 protein (p.Cys223Ser). This variant is not present in population databases (gnomAD no frequency). This variant has not been reported in the literature in individuals affected with SYN1-related conditions. ClinVar contains an entry for this variant (Variation ID: 2546662). An algorithm developed to predict the effect of missense changes on protein structure and function (PolyPhen-2) suggests that this variant is likely to be disruptive. In summary, the available evidence is currently insufficient to determine the role of this variant in disease. Therefore, it has been classified as a Variant of Uncertain Significance.

Ambry Genetics
Classification: Uncertain significance for Inborn genetic diseases. Last evaluated: 2023-05-16. Review status: criteria provided, single submitter. Criteria: Ambry Variant Classification Scheme 2023. Collection method: clinical testing. Allele origin: germline.

Blueprint Genetics
Classification: Uncertain significance. Last evaluated: 2018-10-25. Review status: criteria provided, single submitter. Criteria: ACMG Guidelines, 2015. Collection method: clinical testing. Allele origin: germline.